The following is an entry in ClinVar:

NM_020529.3(NFKBIA):c.325A>C (p.Asn109His)

Gene: NFKBIA (NFKB inhibitor alpha; minus strand). Cytogenetic location: 14q13.2.
Variant type: single nucleotide variant.
Coding change: c.325A>C on transcript NM_020529.3 (MANE Select); coding-DNA position 325, A replaced by C.
Protein change: p.Asn109His; replaces asparagine 109 with histidine.
Molecular consequence: missense variant.
Genome position (GRCh38, 1-based): chr14:35,403,701, T>G on the plus strand (A>C on the coding strand, the complement: NFKBIA is on the minus strand). VCF-style: chr14-35403701-T-G. GRCh37 (hg19) VCF-style: chr14-35872907-T-G.
Other names: short protein forms N109H.
Identifiers: ClinVar variation 1424475 (VCV001424475.6), dbSNP rs772897174, ClinGen allele CA7155524.

ClinVar aggregate classification (germline): Uncertain significance (1 of 4 stars; one submission).

Conditions:
Ectodermal dysplasia and immunodeficiency 2. Identifiers: Orphanet 238468, Orphanet 98813, MedGen C2677481, MONDO:0012806, OMIM 612132.

Allele frequency attached by ClinVar (database versions not stated): ExAC 0.00001; gnomAD exomes 0.00001.

Submission:

Labcorp Genetics (formerly Invitae), Labcorp
Classification: Uncertain significance for Ectodermal dysplasia and immunodeficiency 2. Last evaluated: 2025-10-26. Review status: criteria provided, single submitter. Criteria: Invitae Variant Classification Sherloc (09022015). Collection method: clinical testing. Allele origin: germline.
Comment: This sequence change replaces asparagine, which is neutral and polar, with histidine, which is basic and polar, at codon 109 of the NFKBIA protein (p.Asn109His). This variant is present in population databases (rs772897174, gnomAD 0.0009%). This variant has not been reported in the literature in individuals affected with NFKBIA-related conditions. ClinVar contains an entry for this variant (Variation ID: 1424475). An algorithm developed to predict the effect of missense changes on protein structure and function (PolyPhen-2) suggests that this variant is likely to be tolerated. In summary, the available evidence is currently insufficient to determine the role of this variant in disease. Therefore, it has been classified as a Variant of Uncertain Significance.